The following is an entry in ClinVar:

NM_018684.4(ZC4H2):c.226-8T>A

Gene: ZC4H2 (zinc finger C4H2-type containing; minus strand). Cytogenetic location: Xq11.2.
Variant type: single nucleotide variant.
Coding change: c.226-8T>A on transcript NM_018684.4 (MANE Select); 8 bases into the intron before coding-DNA position 226, T replaced by A.
Molecular consequence: intron variant.
Genome position (GRCh38, 1-based): chrX:64,920,261, A>T on the plus strand (T>A on the coding strand, the complement: ZC4H2 is on the minus strand). VCF-style: chrX-64920261-A-T. GRCh37 (hg19) VCF-style: chrX-64140141-A-T.
Other names: c.157-8T>A (NM_001243804.2, NM_001178032.3); c.226-8T>A (NM_001178033.3).
Identifiers: ClinVar variation 2009301 (VCV002009301.6), dbSNP rs2068086975, ClinGen allele CA2580101268.

ClinVar aggregate classification (germline): Pathogenic/Likely pathogenic. Review status: criteria provided, multiple submitters, no conflicts (2 of 4 stars). 2 submissions from 2 submitters: Pathogenic (1); Likely pathogenic (1). Last evaluated 2024-10-31.

Submissions (2):

GeneDx
Classification: Likely pathogenic. Last evaluated: 2024-10-31. Review status: criteria provided, single submitter. Criteria: GeneDx Variant Classification Process June 2021. Collection method: clinical testing. Allele origin: germline.
Comment: Not observed at significant frequency in large population cohorts (gnomAD); In silico analysis supports a deleterious effect on splicing; Has not been previously published as pathogenic or benign to our knowledge

Labcorp Genetics (formerly Invitae), Labcorp
Classification: Pathogenic. Last evaluated: 2023-06-29. Review status: criteria provided, single submitter. Criteria: Invitae Variant Classification Sherloc (09022015). Collection method: clinical testing. Allele origin: germline.
Comment: For these reasons, this variant has been classified as Pathogenic. This sequence change falls in intron 2 of the ZC4H2 gene. It does not directly change the encoded amino acid sequence of the ZC4H2 protein. This variant is not present in population databases (gnomAD no frequency). This variant has been observed in individual(s) with clinical features of ZC4H2-related conditions (Invitae). In at least one individual the variant was observed to be de novo. ClinVar contains an entry for this variant (Variation ID: 2009301). Algorithms developed to predict the effect of sequence changes on RNA splicing suggest that this variant may disrupt the consensus splice site.